The following is an entry in ClinVar:

ClinVar aggregate classification (germline): Uncertain significance (1 of 4 stars; one submission).

Conditions:
Cardiovascular phenotype. Identifiers: MedGen CN230736.

Submission:

Ambry Genetics
Classification: Uncertain significance for Cardiovascular phenotype. Last evaluated: 2022-07-13. Review status: criteria provided, single submitter. Criteria: Ambry Variant Classification Scheme 2023. Collection method: clinical testing. Allele origin: germline.
Comment: The c.2011_2016delATCACC variant (also known as p.I671_T672del) is located in coding exon 13 of the SCN10A gene. This variant results from an in-frame ATCACC deletion at nucleotide positions 2011 to 2016. This results in the in-frame deletion of a at codon 671. This amino acid position ranges from well conserved to highly conserved in available vertebrate species. In addition, this alteration is predicted to be deleterious by in silico analysis (Choi Y et al. PLoS ONE. 2012; 7(10):e46688). The evidence for this gene-disease relationship is limited; therefore, the clinical significance of this alteration is unclear.

NM_006514.4(SCN10A):c.2011_2016del (p.Ile671_Thr672del)

Gene: SCN10A (sodium voltage-gated channel alpha subunit 10; minus strand). Cytogenetic location: 3p22.2.
Variant type: Deletion.
Coding change: c.2011_2016del on transcript NM_006514.4 (MANE Select); coding-DNA positions 2011 to 2016, 6 bases deleted (ATCACC; older notation c.2011_2016delATCACC).
Protein change: p.Ile671_Thr672del.
Molecular consequence: inframe deletion.
Genome position (GRCh38, 1-based): chr3:38,742,381-38,742,386, GGTGAT deleted on the plus strand (ATCACC on the coding strand, the reverse complement: SCN10A is on the minus strand); deleting any 6 consecutive bases within chr3:38,742,381-38,742,391 gives the same sequence; the c. name uses the placement nearest the transcript's 3' end. VCF-style (leftmost placement, unchanged base first): chr3-38742380-AGGTGAT-A. GRCh37 (hg19) VCF-style: chr3-38783871-AGGTGAT-A.
Other names: c.2011_2016del, p.Ile671_Thr672del (NM_001293306.2); c.1717_1722del, p.Ile573_Thr574del (NM_001293307.2).
Identifiers: ClinVar variation 1784419 (VCV001784419.2), dbSNP rs753384202, ClinGen allele CA2320677.